The following is an entry in ClinVar:

ClinVar aggregate classification (germline): Uncertain significance (1 of 4 stars; one submission).

Submission:

GeneDx
Classification: Uncertain significance. Last evaluated: 2023-12-12. Review status: criteria provided, single submitter. Criteria: GeneDx Variant Classification Process June 2021. Collection method: clinical testing. Allele origin: germline. Affected: yes.
Comment: Not observed at significant frequency in large population cohorts (gnomAD); In silico analysis supports that this missense variant has a deleterious effect on protein structure/function; Has not been previously published as pathogenic or benign to our knowledge

NM_015015.3(KDM4B):c.1114A>G (p.Arg372Gly)

Gene: KDM4B (lysine demethylase 4B; plus strand). Cytogenetic location: 19p13.3.
Variant type: single nucleotide variant.
Coding change: c.1114A>G on transcript NM_015015.3 (MANE Select); coding-DNA position 1114, A replaced by G.
Protein change: p.Arg372Gly; replaces arginine 372 with glycine.
Molecular consequence: missense variant.
Genome position (GRCh38, 1-based): chr19:5,110,817, A>G. VCF-style: chr19-5110817-A-G. GRCh37 (hg19) VCF-style: chr19-5110828-A-G.
Other names: c.1114A>G, p.Arg372Gly (NM_001370093.1, NM_001370094.1, NM_001411148.1); short protein forms R372G.
Identifiers: ClinVar variation 3252728 (VCV003252728.1), dbSNP rs146701782.